The following is an entry in ClinVar:

ClinVar aggregate classification (germline): Uncertain significance (1 of 4 stars; one submission).

Submission:

Labcorp Genetics (formerly Invitae), Labcorp
Classification: Uncertain significance. Last evaluated: 2019-11-25. Review status: criteria provided, single submitter. Criteria: Invitae Variant Classification Sherloc (09022015). Collection method: clinical testing. Allele origin: germline.
Comment: This variant results in a copy number gain of the genomic region encompassing the full coding sequence of the CNNM4 gene. The boundaries of this event are unknown as they extend beyond the assayed region for this gene and therefore may encompass additional genes. As the precise location of this event is unknown, it may be in tandem or it may be located elsewhere in the genome. This variant has not been reported in the literature in individuals with CNNM4-related conditions. In summary, the available evidence is currently insufficient to determine the role of this variant in disease. Therefore, it has been classified as a Variant of Uncertain Significance.

NC_000002.12:g.(?_96537365)_(97009221_?)dup

Genes: ANKRD23 (ankyrin repeat domain 23; minus strand), FER1L5 (fer-1 like family member 5; plus strand), KANSL3 (KAT8 regulatory NSL complex subunit 3; minus strand), SEMA4C (semaphorin 4C; minus strand), LMAN2L (lectin, mannose binding 2 like; minus strand) and 5 more. Cytogenetic location: 2q11.2.
Variant type: Duplication.
Identifiers: ClinVar variation 831314 (VCV000831314.1).